The following is an entry in ClinVar:

NM_000193.4(SHH):c.312C>G (p.Asp104Glu)

Gene: SHH (sonic hedgehog signaling molecule; minus strand). Cytogenetic location: 7q36.3.
Variant type: single nucleotide variant.
Coding change: c.312C>G on transcript NM_000193.4 (MANE Select); coding-DNA position 312, C replaced by G.
Protein change: p.Asp104Glu; replaces aspartic acid 104 with glutamic acid.
Molecular consequence: missense variant. On other transcripts: non-coding transcript variant (2).
Genome position (GRCh38, 1-based): chr7:155,806,546, G>C on the plus strand (C>G on the coding strand, the complement: SHH is on the minus strand). VCF-style: chr7-155806546-G-C. GRCh37 (hg19) VCF-style: chr7-155599240-G-C.
Other names: c.51C>G, p.Asp17Glu (NM_001310462.2); short protein forms D104E, D17E.
Identifiers: ClinVar variation 4535207 (VCV004535207.6).

ClinVar aggregate classification (germline): Uncertain significance (1 of 4 stars; one submission).

Submission:

CeGaT Center for Human Genetics Tuebingen
Classification: Uncertain significance. Last evaluated: 2025-11-01. Review status: criteria provided, single submitter. Criteria: CeGaT Center For Human Genetics Tuebingen Variant Classification Criteria Version 2. Collection method: clinical testing. Allele origin: germline. Affected: yes. Observed: 1 variant allele.
Comment: SHH: PM1, PM2, PP3